The following is an entry in ClinVar:

ClinVar aggregate classification (germline): Benign/Likely benign. Review status: criteria provided, multiple submitters, no conflicts (2 of 4 stars). 6 submissions from 6 submitters: Benign (1); Likely benign (5). Last evaluated 2025-07-29.

Conditions:
Hereditary nonpolyposis colorectal neoplasms. Identifiers: MedGen C0009405, MeSH D003123.
Lynch syndrome 5 (LYNCH5). Also called: Colorectal cancer, hereditary nonpolyposis, type 5; Hereditary non-polyposis colorectal cancer, type 5. Identifiers: Orphanet 144, MedGen C1833477, MONDO:0013710, OMIM 614350. Disease mechanism: loss of function.
Hereditary cancer-predisposing syndrome. Also called: Tumor predisposition; Neoplastic Syndromes, Hereditary; Hereditary neoplastic syndrome; Hereditary Cancer Syndrome. Identifiers: Orphanet 140162, MedGen C0027672, MeSH D009386, MONDO:0015356.
Lynch syndrome. Identifiers: Orphanet 144, MedGen C4552100, MONDO:0005835. Disease mechanism: loss of function.

Allele frequency attached by ClinVar (database versions not stated): gnomAD exomes below 0.00001; ExAC 0.00001.
gnomAD v4.1: 1 of 1,614,194 alleles (0.000062%); highest among the groups gnomAD compares: Non-Finnish European, 0.000085%; no homozygotes.

Submissions (6):

Labcorp Genetics (formerly Invitae), Labcorp
Classification: Likely benign for Hereditary nonpolyposis colorectal neoplasms. Last evaluated: 2025-07-29. Review status: criteria provided, single submitter. Criteria: Invitae Variant Classification Sherloc (09022015). Collection method: clinical testing. Allele origin: germline.

Myriad Genetics, Inc.
Classification: Benign for Lynch syndrome 5. Last evaluated: 2024-12-27. Review status: criteria provided, single submitter. Criteria: Myriad Autosomal Dominant, Autosomal Recessive and X-Linked Classification Criteria (2023). Collection method: clinical testing. Allele origin: unknown.
Comment: This variant is considered benign. This variant is a silent/synonymous amino acid change and it is not expected to impact splicing.

All of Us Research Program, National Institutes of Health
Classification: Likely benign for Lynch syndrome. Last evaluated: 2024-05-13. Review status: criteria provided, single submitter. Criteria: ACMG Guidelines, 2015. Collection method: clinical testing. Allele origin: germline. Inheritance: Autosomal dominant inheritance. Observed: 1 variant allele, 1 heterozygote.
Comment: This study involves interpretation of variants in research participants for the purpose of population health screening. Participant phenotype was not available at the time of variant classification. Additional details can be found in publication PMID: 35346344, PMCID: PMC8962531

Women's Health and Genetics/Laboratory Corporation of America, LabCorp
Classification: Likely benign. Last evaluated: 2020-09-16. Review status: criteria provided, single submitter. Criteria: LabCorp Variant Classification Summary - May 2015. Collection method: clinical testing. Allele origin: germline.

Color Diagnostics, LLC DBA Color Health
Classification: Likely benign for Hereditary cancer-predisposing syndrome. Last evaluated: 2019-01-28. Review status: criteria provided, single submitter. Criteria: ACMG Guidelines, 2015. Collection method: clinical testing. Allele origin: germline.

Ambry Genetics
Classification: Likely benign for Hereditary cancer-predisposing syndrome. Last evaluated: 2016-10-24. Review status: criteria provided, single submitter. Criteria: Ambry Variant Classification Scheme 2023. Collection method: clinical testing. Allele origin: germline.

NM_000179.3(MSH6):c.1713T>G (p.Gly571=)

Gene: MSH6 (mutS homolog 6; plus strand). Cytogenetic location: 2p16.3.
Variant type: single nucleotide variant.
Coding change: c.1713T>G on transcript NM_000179.3 (MANE Select); coding-DNA position 1713, T replaced by G.
Protein change: p.Gly571=; no amino-acid change (glycine 571 retained).
Molecular consequence: synonymous variant.
Genome position (GRCh38, 1-based): chr2:47,799,696, T>G. VCF-style: chr2-47799696-T-G. GRCh37 (hg19) VCF-style: chr2-48026835-T-G.
Other names: c.1323T>G, p.Gly441= (NM_001281492.2); c.807T>G, p.Gly269= (NM_001281493.2, NM_001281494.2).
Identifiers: ClinVar variation 416164 (VCV000416164.21), dbSNP rs781019496, ClinGen allele CA068061.